The following is an entry in ClinVar:

ClinVar aggregate classification (germline): Benign. Review status: criteria provided, multiple submitters, no conflicts (2 of 4 stars). 2 submissions from 2 submitters: Benign (2). Last evaluated 2018-01-13.

Conditions:
Gelatinous droplike corneal dystrophy (GDLD). Also called: AMYLOID CORNEAL DYSTROPHY, JAPANESE TYPE. Identifiers: Orphanet 98957, MedGen C0339273, MONDO:0008777, OMIM 204870.

Allele frequency attached by ClinVar (database versions not stated): gnomAD exomes 0.07623; gnomAD 0.14110 and 0.14512; TOPMed 0.14979; 1000 Genomes Project 0.15695; 1000 Genomes Project 30x 0.16380.

Submissions (2):

Illumina Laboratory Services, Illumina
Classification: Benign for Gelatinous droplike corneal dystrophy. Last evaluated: 2018-01-13. Review status: criteria provided, single submitter. Criteria: ICSL Variant Classification Criteria 13 December 2019. Collection method: clinical testing. Allele origin: germline.
Comment: This variant was observed in the ICSL laboratory as part of a predisposition screen in an ostensibly healthy population. It had not been previously curated by ICSL or reported in the Human Gene Mutation Database (HGMD: prior to June 1st, 2018), and was therefore a candidate for classification through an automated scoring system. Utilizing variant allele frequency, disease prevalence and penetrance estimates, and inheritance mode, an automated score was calculated to assess if this variant is too frequent to cause the disease. Based on the score and internal cut-off values, a variant classified as benign is not then subjected to further curation. The score for this variant resulted in a classification of benign for this disease.

Breakthrough Genomics
Classification: Benign. Review status: criteria provided, single submitter. Criteria: ACMG Guidelines, 2015. Collection method: not provided. Allele origin: germline. Inheritance: Autosomal recessive inheritance. Affected: yes.

NM_002353.3(TACSTD2):c.-54A>C

Gene: TACSTD2 (tumor associated calcium signal transducer 2; minus strand). Cytogenetic location: 1p32.1.
Variant type: single nucleotide variant.
Coding change: c.-54A>C on transcript NM_002353.3 (MANE Select); 54 bases upstream of the start codon, A replaced by C.
Molecular consequence: 5 prime UTR variant.
Genome position (GRCh38, 1-based): chr1:58,577,210, T>G on the plus strand (A>C on the coding strand, the complement: TACSTD2 is on the minus strand). VCF-style: chr1-58577210-T-G. GRCh37 (hg19) VCF-style: chr1-59042882-T-G.
Identifiers: ClinVar variation 297774 (VCV000297774.6), dbSNP rs232835, ClinGen allele CA10610550.